The following is an entry in ClinVar:

ClinVar aggregate classification (germline): Conflicting classifications of pathogenicity. Review status: criteria provided, conflicting classifications (1 of 4 stars). 4 submissions from 4 submitters: Uncertain significance (2); Likely benign (2). Last evaluated 2025-09-09.

Conditions:
Pancreatic agenesis 2 (PAGEN2). Also called: PANCREATIC HYPOPLASIA, CONGENITAL 2. Identifiers: Orphanet 2805, MedGen C4014737, MONDO:0014406, OMIM 615935.
Permanent neonatal diabetes mellitus-pancreatic and cerebellar agenesis syndrome. Also called: PANCREATIC AND CEREBELLAR AGENESIS. Identifiers: Orphanet 65288, MedGen C1836780, MONDO:0012192, OMIM 609069.

Allele frequency attached by ClinVar (database versions not stated): gnomAD 0.00012 and 0.00020; 1000 Genomes Project 30x 0.00016; 1000 Genomes Project 0.00020; TOPMed 0.00022; ESP Exome Variant Server 0.00031; ExAC 0.00061; gnomAD exomes 0.00069.
gnomAD v4.1: 590 of 1,601,570 alleles (0.037%); highest among the groups gnomAD compares: Middle Eastern, 0.35%; 4 homozygotes.

Submissions (4):

Labcorp Genetics (formerly Invitae), Labcorp
Classification: Likely benign. Last evaluated: 2025-09-09. Review status: criteria provided, single submitter. Criteria: Invitae Variant Classification Sherloc (09022015). Collection method: clinical testing. Allele origin: germline.

New York Genome Center
Classification: Uncertain significance for Permanent neonatal diabetes mellitus-pancreatic and cerebellar agenesis syndrome; Pancreatic agenesis 2. Last evaluated: 2022-10-27. Review status: criteria provided, single submitter. Criteria: NYGC Assertion Criteria 2020. Collection method: clinical testing. Allele origin: germline. Observed: 1 heterozygote.

GeneDx
Classification: Likely benign. Last evaluated: 2019-04-18. Review status: criteria provided, single submitter. Criteria: GeneDx Variant Classification Process June 2021. Collection method: clinical testing. Allele origin: germline. Affected: yes.
Comment: In silico analysis, which includes protein predictors and evolutionary conservation, supports that this variant does not alter protein structure/function; Has not been previously published as pathogenic or benign to our knowledge

Illumina Laboratory Services, Illumina
Classification: Uncertain significance for Permanent neonatal diabetes mellitus-pancreatic and cerebellar agenesis syndrome. Last evaluated: 2017-04-27. Review status: criteria provided, single submitter. Criteria: ICSL Variant Classification Criteria 13 December 2019. Collection method: clinical testing. Allele origin: germline.

NM_178161.3(PTF1A):c.44C>T (p.Ala15Val)

Gene: PTF1A (pancreas associated transcription factor 1a; plus strand). Cytogenetic location: 10p12.2.
Variant type: single nucleotide variant.
Coding change: c.44C>T on transcript NM_178161.3 (MANE Select); coding-DNA position 44, C replaced by T.
Protein change: p.Ala15Val; replaces alanine 15 with valine.
Molecular consequence: missense variant.
Genome position (GRCh38, 1-based): chr10:23,192,574, C>T. VCF-style: chr10-23192574-C-T. GRCh37 (hg19) VCF-style: chr10-23481503-C-T.
Other names: short protein forms A15V.
Identifiers: ClinVar variation 451673 (VCV000451673.17), dbSNP rs140097468, ClinGen allele CA5438555.
Genomic context (GRCh38, chr10:23,192,574, plus strand): 5'-CCACTGCGGCGGCGAGCATGGACGCGGTGTTGCTGGAGCACTTCCCCGGGGGCCTAGACG[C>T]CTTTCCTTCTTCGTACTTCGACGAGGACGACTTCTTCACCGACCAGTCTTCACGGGACCC-3'
Protein context (NP_835455.1, residues 5-25): LLEHFPGGLD[Ala15Val]FPSSYFDEDD